The following is an entry in ClinVar:

NC_000017.10:g.(?_41197728)_(41202245_?)del

Gene: BRCA1 (BRCA1 DNA repair associated; minus strand). Cytogenetic location: 17q21.31.
Variant type: Deletion.
Identifiers: ClinVar variation 3243022 (VCV003243022.1).

ClinVar aggregate classification (germline): Likely pathogenic (1 of 4 stars; one submission).

Conditions:
Hereditary breast ovarian cancer syndrome. Also called: Hereditary breast and ovarian cancer syndrome; Hereditary breast and ovarian cancer; Hereditary breast and ovarian cancer syndrome (HBOC); Breast and ovarian cancer; Hereditary breast and/or ovarian cancer syndrome; BRCA1- and BRCA2-Associated Hereditary Breast and Ovarian Cancer. Identifiers: Orphanet 145, MedGen C0677776, MeSH D061325, MONDO:0003582. Disease mechanism: loss of function.

Submission:

Labcorp Genetics (formerly Invitae), Labcorp
Classification: Likely pathogenic for Hereditary breast ovarian cancer syndrome. Last evaluated: 2020-02-07. Review status: criteria provided, single submitter. Criteria: Invitae Variant Classification Sherloc (09022015). Collection method: clinical testing. Allele origin: unknown.
Comment: In summary, the currently available evidence indicates that the variant is pathogenic, but additional data are needed to prove that conclusively. Therefore, this variant has been classified as Likely Pathogenic. This variant disrupts a portion of the C-terminal BRCT domain of the BRCA1 protein (residues 1646-1859), which is important for DNA repair activity (PMID: 11573086, 14576433, 15133503, 25652403). While functional studies have not been performed to directly test the effect on BRCA1 protein function, this suggests that disruption of the C-terminal portion of the protein is functionally important. This variant has not been reported in the literature in individuals with BRCA1-related conditions. This variant results in the deletion of exon(s) 21-22 and part of exon 23 (c.5332+835_5559del) of the BRCA1 gene. While this is not anticipated to result in nonsense mediated decay, it likely alters RNA splicing and results in a disrupted protein product.

Literature cited by the submitters: PubMed 11573086; PubMed 14576433; PubMed 15133503; PubMed 25652403.